The following is an entry in ClinVar:

ClinVar aggregate classification (germline): Uncertain significance (1 of 4 stars; one submission).

Conditions:
PIGM-related disorder. Also called: PIGM-related condition.

Submission:

PreventionGenetics, part of Exact Sciences
Classification: Uncertain significance for PIGM-related condition. Last evaluated: 2022-08-18. Review status: criteria provided, single submitter. Criteria: ACMG Guidelines, 2015. Collection method: clinical testing. Allele origin: germline.
Comment: The PIGM c.962C>A variant is predicted to result in the amino acid substitution p.Thr321Lys. To our knowledge, this variant has not been reported in the literature or in a large population database, indicating this variant is rare. At this time, the clinical significance of this variant is uncertain due to the absence of conclusive functional and genetic evidence.

NM_145167.3(PIGM):c.962C>A (p.Thr321Lys)

Gene: PIGM (phosphatidylinositol glycan anchor biosynthesis class M; minus strand). Cytogenetic location: 1q23.2.
Variant type: single nucleotide variant.
Coding change: c.962C>A on transcript NM_145167.3 (MANE Select); coding-DNA position 962, C replaced by A.
Protein change: p.Thr321Lys; replaces threonine 321 with lysine.
Molecular consequence: missense variant.
Genome position (GRCh38, 1-based): chr1:160,030,778, G>T on the plus strand (C>A on the coding strand, the complement: PIGM is on the minus strand). VCF-style: chr1-160030778-G-T. GRCh37 (hg19) VCF-style: chr1-160000568-G-T.
Other names: short protein forms T321K.
Identifiers: ClinVar variation 2636415 (VCV002636415.1), dbSNP rs1174013312, ClinGen allele CA343239327.